The following is an entry in ClinVar:

NM_000277.3(PAH):c.559T>C (p.Trp187Arg)

Gene: PAH (phenylalanine hydroxylase; minus strand). Cytogenetic location: 12q23.2.
Variant type: single nucleotide variant.
Coding change: c.559T>C on transcript NM_000277.3 (MANE Select); coding-DNA position 559, T replaced by C.
Protein change: p.Trp187Arg; replaces tryptophan 187 with arginine.
Molecular consequence: missense variant.
Genome position (GRCh38, 1-based): chr12:102,855,283, A>G on the plus strand (T>C on the coding strand, the complement: PAH is on the minus strand). VCF-style: chr12-102855283-A-G. GRCh37 (hg19) VCF-style: chr12-103249061-A-G.
Other names: c.559T>C, p.Trp187Arg (NM_001354304.2); short protein forms W187R.
Identifiers: ClinVar variation 102735 (VCV000102735.9), dbSNP rs62507272, ClinGen allele CA229622.
Genomic context (GRCh38, chr12:102,855,283, plus strand): 5'-TGTACTCATAGCAAGCATGGGTTTTATACAAGGACTTCAGAGTCTTGAACACTGTGCCCC[A>G]TGTTTTCTTTTCTTCCTCCATGTATTCCACTCGAGGGATGGGCTGCCCACTAGAATACAG-3'
Protein context (NP_000268.1, residues 177-197): VEYMEEEKKT[Trp187Arg]GTVFKTLKSL

ClinVar aggregate classification (germline): Likely pathogenic. Review status: reviewed by expert panel (3 of 4 stars). 6 submissions from 6 submitters: Likely pathogenic (1). 5 of the submissions do not count toward it. Last evaluated 2018-12-11.

Conditions:
Phenylketonuria (PKU). Also called: FOLLING DISEASE; Phenylketonurias; OLIGOPHRENIA PHENYLPYRUVICA; Phenylketonuria (PKU). Identifiers: Orphanet 716, MedGen C0031485, MONDO:0009861, OMIM 261600. Disease mechanism: loss of function.

Allele frequency attached by ClinVar (database versions not stated): gnomAD exomes below 0.00001; gnomAD 0.00001.
gnomAD v4.1: 4 of 1,613,874 alleles (0.00025%); highest among the groups gnomAD compares: African/African-American, 0.0013%; no homozygotes.

Submissions (6):

ClinGen PAH Variant Curation Expert Panel
Classification: Likely pathogenic for Phenylketonuria. Last evaluated: 2018-12-11. Review status: reviewed by expert panel. Criteria: ClinGen PAH ACMG Specifications v1. Collection method: curation. Allele origin: germline. Inheritance: Autosomal recessive inheritance.
Comment: The PAH: c.559T>C (p.Trp187Arg) variant was found in two cases in trans with other P/LP alleles: one case with classic PKU (assessed via plasma Phe measurement in trans with the p.R158Q allele (PMID: 18956252) and one case whose PKU sub-phenotype was not mentioned in trans with the p.R261Q allele (PMID: 23074961) (PM3_Strong). PP4_moderate. PMID: 28982351). The variant is absent from control databases including ethnically matched individuals, including gnomAD/ExAC, 1000 Genomes, and ESP (PM2). It is predicted damaging by multiple lines of computational evidence: SIFT, Polyphen2, Mutation Taster, REVEL = 0.918 (PP3). In summary, this variant meets criteria to be classified as likely pathogenic for PAH. PAH-specific ACMG/AMP criteria applied: PP4_Moderate, PM2, PM3_strong, PP3.

Labcorp Genetics (formerly Invitae), Labcorp
Classification: Pathogenic for Phenylketonuria. Last evaluated: 2026-01-24. Review status: criteria provided, single submitter. Criteria: Invitae Variant Classification Sherloc (09022015). Collection method: clinical testing. Allele origin: germline. Not counted in ClinVar's aggregate classification.
Comment: This sequence change replaces tryptophan, which is neutral and slightly polar, with arginine, which is basic and polar, at codon 187 of the PAH protein (p.Trp187Arg). This variant is not present in population databases (gnomAD no frequency). This missense change has been observed in individual(s) with hyperphenylalaninemia (PMID: 20217238, 23074961). In at least one individual the data is consistent with being in trans (on the opposite chromosome) from a pathogenic variant. ClinVar contains an entry for this variant (Variation ID: 102735). Invitae Evidence Modeling of protein sequence and biophysical properties (such as structural, functional, and spatial information, amino acid conservation, physicochemical variation, residue mobility, and thermodynamic stability) indicates that this missense variant is expected to disrupt PAH protein function with a positive predictive value of 80%. For these reasons, this variant has been classified as Pathogenic.

CeGaT Center for Human Genetics Tuebingen
Classification: Pathogenic. Last evaluated: 2026-01-01. Review status: criteria provided, single submitter. Criteria: CeGaT Center For Human Genetics Tuebingen Variant Classification Criteria Version 2. Collection method: clinical testing. Allele origin: germline. Affected: yes. Observed: 1 variant allele. Not counted in ClinVar's aggregate classification.
Comment: PAH: PM3:Very Strong, PM2, PP4:Moderate, PP3

GeneDx
Classification: Likely pathogenic. Last evaluated: 2017-02-28. Review status: criteria provided, single submitter. Criteria: GeneDx Variant Classification (06012015). Collection method: clinical testing. Allele origin: germline. Affected: yes. Not counted in ClinVar's aggregate classification.
Comment: The W187R variant in the PAH gene has been reported as a pathogenic variant in the PAH Consortium database. The W187R variant has been reported ina patient with PKU who also harbored a second missense change in the PAH gene and who wasreported to be responsive to BH4 therapy (Trefz et al. 2009). The W187R variant is not observed inlarge population cohorts (Lek et al., 2016; 1000 Genomes Consortium et al., 2015; Exome VariantServer). The W187R variant is a non-conservative amino acid substitution, which is likely to impactsecondary protein structure as these residues differ in polarity, charge, size and/or other properties.This substitution occurs at a position that is conserved across species, and in silico analysis predictsthis variant is probably damaging to the protein structure/function. In summary, we interpret theW187R variant as likely pathogenic

Counsyl
Classification: Uncertain significance for Phenylketonuria. Last evaluated: 2017-11-30. Review status: no assertion criteria provided. Collection method: clinical testing. Allele origin: unknown. Not counted in ClinVar's aggregate classification.

DeBelle Laboratory for Biochemical Genetics, MUHC/MCH RESEARCH INSTITUTE
No classification provided. Review status: no classification provided. Collection method: not provided. Allele origin: not provided. Not counted in ClinVar's aggregate classification.

Literature cited by the submitters: PubMed 18956252 (cited by ClinGen PAH Variant Curation Expert Panel and Counsyl); PubMed 23074961 (cited by 3 submitters); PubMed 28982351 (cited by ClinGen PAH Variant Curation Expert Panel); PubMed 20217238 (cited by Labcorp Genetics (formerly Invitae), Labcorp); PubMed 12655553 (cited by Counsyl); PubMed 17924342 (cited by Counsyl); PubMed 27264808 (cited by Counsyl); PubMed 8528673 (cited by Counsyl).